The following is an entry in ClinVar:

NM_032380.5(GFM2):c.1413A>G (p.Gln471=)

Gene: GFM2 (GTP dependent ribosome recycling factor mitochondrial GFM2; minus strand). Cytogenetic location: 5q13.3.
Variant type: single nucleotide variant.
Coding change: c.1413A>G on transcript NM_032380.5 (MANE Select); coding-DNA position 1413, A replaced by G.
Protein change: p.Gln471=; no amino-acid change (glutamine 471 retained).
Molecular consequence: synonymous variant. On other transcripts: non-coding transcript variant (1).
Genome position (GRCh38, 1-based): chr5:74,736,893, T>C on the plus strand (A>G on the coding strand, the complement: GFM2 is on the minus strand). VCF-style: chr5-74736893-T-C. GRCh37 (hg19) VCF-style: chr5-74032718-T-C.
Other names: c.1509A>G, p.Gln503= (NM_001281302.2); c.1413A>G, p.Gln471= (NM_170681.3); c.1272A>G, p.Gln424= (NM_170691.3).
Identifiers: ClinVar variation 2195229 (VCV002195229.6), dbSNP rs180801317, ClinGen allele CA3306537.

ClinVar aggregate classification (germline): Likely benign. Review status: criteria provided, multiple submitters, no conflicts (2 of 4 stars). 2 submissions from 2 submitters: Likely benign (2). Last evaluated 2026-05-01.

Allele frequency attached by ClinVar (database versions not stated): ExAC 0.00002; gnomAD exomes 0.00002; gnomAD 0.00007; TOPMed 0.00009; 1000 Genomes Project 30x 0.00016; 1000 Genomes Project 0.00020.
gnomAD v4.1: 38 of 1,613,940 alleles (0.0024%); highest among the groups gnomAD compares: Admixed American, 0.063%; no homozygotes.

Submissions (2):

CeGaT Center for Human Genetics Tuebingen
Classification: Likely benign. Last evaluated: 2026-05-01. Review status: criteria provided, single submitter. Criteria: CeGaT Center For Human Genetics Tuebingen Variant Classification Criteria Version 2. Collection method: clinical testing. Allele origin: germline. Affected: yes. Observed: 1 variant allele.
Comment: GFM2: BP4, BP7

Labcorp Genetics (formerly Invitae), Labcorp
Classification: Likely benign. Last evaluated: 2026-01-19. Review status: criteria provided, single submitter. Criteria: Invitae Variant Classification Sherloc (09022015). Collection method: clinical testing. Allele origin: germline.